The following is an entry in ClinVar:

ClinVar aggregate classification (germline): Uncertain significance. Review status: criteria provided, multiple submitters, no conflicts (2 of 4 stars). 2 submissions from 2 submitters: Uncertain significance (2). Last evaluated 2024-09-09.

Conditions:
KBG syndrome (KBGS). Also called: ANKRD11-Related KBG Syndrome. Identifiers: Orphanet 2332, MedGen C0220687, MONDO:0007846, OMIM 148050.

Submissions (2):

GeneDx
Classification: Uncertain significance. Last evaluated: 2024-09-09. Review status: criteria provided, single submitter. Criteria: GeneDx Variant Classification Process June 2021. Collection method: clinical testing. Allele origin: germline. Affected: yes.
Comment: Not observed at significant frequency in large population cohorts (gnomAD); In silico analysis indicates that this missense variant does not alter protein structure/function; Has not been previously published as pathogenic or benign to our knowledge

Labcorp Genetics (formerly Invitae), Labcorp
Classification: Uncertain significance for KBG syndrome. Last evaluated: 2024-06-03. Review status: criteria provided, single submitter. Criteria: Invitae Variant Classification Sherloc (09022015). Collection method: clinical testing. Allele origin: germline.
Comment: This sequence change replaces cysteine, which is neutral and slightly polar, with tryptophan, which is neutral and slightly polar, at codon 1055 of the ANKRD11 protein (p.Cys1055Trp). This variant is not present in population databases (gnomAD no frequency). This variant has not been reported in the literature in individuals affected with ANKRD11-related conditions. Advanced modeling of protein sequence and biophysical properties (such as structural, functional, and spatial information, amino acid conservation, physicochemical variation, residue mobility, and thermodynamic stability) performed at Invitae indicates that this missense variant is not expected to disrupt ANKRD11 protein function with a negative predictive value of 95%. In summary, the available evidence is currently insufficient to determine the role of this variant in disease. Therefore, it has been classified as a Variant of Uncertain Significance.

NM_013275.6(ANKRD11):c.3165T>G (p.Cys1055Trp)

Gene: ANKRD11 (ankyrin repeat domain 11; minus strand). Cytogenetic location: 16q24.3.
Variant type: single nucleotide variant.
Coding change: c.3165T>G on transcript NM_013275.6 (MANE Select); coding-DNA position 3165, T replaced by G.
Protein change: p.Cys1055Trp; replaces cysteine 1055 with tryptophan.
Molecular consequence: missense variant.
Genome position (GRCh38, 1-based): chr16:89,283,377, A>C on the plus strand (T>G on the coding strand, the complement: ANKRD11 is on the minus strand). VCF-style: chr16-89283377-A-C. GRCh37 (hg19) VCF-style: chr16-89349785-A-C.
Other names: c.3165T>G (NM_013275.5); c.3165T>G, p.Cys1055Trp (NM_001256182.2, NM_001256183.2); short protein forms C1055W.
Identifiers: ClinVar variation 3022042 (VCV003022042.4), dbSNP rs2544238466, ClinGen allele CA397160442.